The following is an entry in ClinVar:

NM_014363.6(SACS):c.9088_9089dup (p.Leu3030fs)

Gene: SACS (sacsin molecular chaperone; minus strand). Cytogenetic location: 13q12.12.
Variant type: Duplication.
Coding change: c.9088_9089dup on transcript NM_014363.6 (MANE Select); coding-DNA positions 9088 to 9089, 2 bases duplicated (TT; older notation c.9088_9089dupTT).
Protein change: p.Leu3030fs; shifts the reading frame from leucine 3030.
Molecular consequence: frameshift variant.
Genome position (GRCh38, 1-based): chr13:23,334,787-23,334,788, AA duplicated on the plus strand (TT on the coding strand, the reverse complement: SACS is on the minus strand); duplicating any 2 consecutive bases within chr13:23,334,787-23,334,789 gives the same sequence; the c. name uses the placement nearest the transcript's 3' end. VCF-style (leftmost placement, unchanged base first): chr13-23334786-T-TAA. GRCh37 (hg19) VCF-style: chr13-23908925-T-TAA.
Other names: c.8647_8648dup, p.Leu2883fs (NM_001278055.2); short protein forms L2883fs, L3030fs.
Identifiers: ClinVar variation 371167 (VCV000371167.7), dbSNP rs1057517060, ClinGen allele CA16041613.

ClinVar aggregate classification (germline): Pathogenic. Review status: criteria provided, single submitter (1 of 4 stars). 2 submissions from 2 submitters: Pathogenic (1). 1 of the submissions does not count toward it. Last evaluated 2022-03-16.

Conditions:
Spastic paraplegia. Identifiers: MedGen C0037772, HP:0001258.
Charlevoix-Saguenay spastic ataxia (SACS). Also called: AUTOSOMAL RECESSIVE SPASTIC ATAXIA OF CHARLEVOIX-SAGUENAY; SPASTIC ATAXIA 6, AUTOSOMAL RECESSIVE; Spastic ataxia of Charlevoix-Saguenay. Identifiers: Orphanet 98, MedGen C1849140, MONDO:0010041, OMIM 270550.

Submissions (2):

Labcorp Genetics (formerly Invitae), Labcorp
Classification: Pathogenic for Spastic paraplegia. Last evaluated: 2022-03-16. Review status: criteria provided, single submitter. Criteria: Invitae Variant Classification Sherloc (09022015). Collection method: clinical testing. Allele origin: germline.
Comment: For these reasons, this variant has been classified as Pathogenic. This variant disrupts a region of the SACS protein in which other variant(s) (p.Leu3102*) have been determined to be pathogenic (Invitae). This suggests that this is a clinically significant region of the protein, and that variants that disrupt it are likely to be disease-causing. ClinVar contains an entry for this variant (Variation ID: 371167). This variant has not been reported in the literature in individuals affected with SACS-related conditions. This variant is not present in population databases (gnomAD no frequency). This sequence change creates a premature translational stop signal (p.Leu3030Phefs*23) in the SACS gene. While this is not anticipated to result in nonsense mediated decay, it is expected to disrupt the last 1550 amino acid(s) of the SACS protein.

Counsyl
Classification: Likely pathogenic for Charlevoix-Saguenay spastic ataxia. Last evaluated: 2016-07-18. Review status: no assertion criteria provided. Collection method: clinical testing. Allele origin: unknown. Not counted in ClinVar's aggregate classification.